The following is an entry in ClinVar:

NM_001042413.2(GLIS3):c.893C>A (p.Ser298Tyr)

Gene: GLIS3 (GLIS family zinc finger 3; minus strand). Cytogenetic location: 9p24.2.
Variant type: single nucleotide variant.
Coding change: c.893C>A on transcript NM_001042413.2 (MANE Select); coding-DNA position 893, C replaced by A.
Protein change: p.Ser298Tyr; replaces serine 298 with tyrosine.
Molecular consequence: missense variant.
Genome position (GRCh38, 1-based): chr9:4,118,585, G>T on the plus strand (C>A on the coding strand, the complement: GLIS3 is on the minus strand). VCF-style: chr9-4118585-G-T. GRCh37 (hg19) VCF-style: chr9-4118585-G-T.
Other names: c.428C>A, p.Ser143Tyr (NM_152629.4); short protein forms S298Y, S143Y.
Identifiers: ClinVar variation 366989 (VCV000366989.56), dbSNP rs148572278, ClinGen allele CA4968377.

ClinVar aggregate classification (germline): Benign/Likely benign. Review status: criteria provided, multiple submitters, no conflicts (2 of 4 stars). 10 submissions from 10 submitters: Benign (1); Likely benign (5). 4 of the submissions do not count toward it. Last evaluated 2026-02-01.

Conditions:
Monogenic diabetes. Identifiers: Orphanet 183625, MedGen C3888631, MONDO:0015967.
GLIS3-related disorder. Also called: GLIS3-related condition.
Neonatal diabetes mellitus with congenital hypothyroidism. Also called: NDH SYNDROME. Identifiers: Orphanet 79118, MedGen C1857775, MONDO:0012436, OMIM 610199.

Allele frequency attached by ClinVar (database versions not stated): 1000 Genomes Project 30x 0.00047; 1000 Genomes Project 0.00060; gnomAD 0.00194 and 0.00199; ESP Exome Variant Server 0.00261; ExAC 0.00201; TOPMed 0.00229.
gnomAD v4.1: 4,151 of 1,614,242 alleles (0.26%); highest among the groups gnomAD compares: Non-Finnish European, 0.31%; 13 homozygotes.

Submissions (10):

CeGaT Center for Human Genetics Tuebingen
Classification: Likely benign. Last evaluated: 2026-02-01. Review status: criteria provided, single submitter. Criteria: CeGaT Center For Human Genetics Tuebingen Variant Classification Criteria Version 2. Collection method: clinical testing. Allele origin: germline. Affected: yes. Observed: 3 variant alleles.
Comment: GLIS3: BS2

Labcorp Genetics (formerly Invitae), Labcorp
Classification: Likely benign. Last evaluated: 2026-01-15. Review status: criteria provided, single submitter. Criteria: Invitae Variant Classification Sherloc (09022015). Collection method: clinical testing. Allele origin: germline.

Blueprint Genetics
Classification: Likely benign. Last evaluated: 2024-11-22. Review status: criteria provided, single submitter. Criteria: ACMG Guidelines, 2015. Collection method: clinical testing. Allele origin: germline.

Genetic Services Laboratory, University of Chicago
Classification: Likely benign. Last evaluated: 2018-06-21. Review status: criteria provided, single submitter. Criteria: ACMG Guidelines, 2015. Collection method: clinical testing. Allele origin: germline. Affected: no.

Personalized Diabetes Medicine Program, University of Maryland School of Medicine
Classification: Benign for Monogenic diabetes. Last evaluated: 2018-06-01. Review status: criteria provided, single submitter. Criteria: ACMG Guidelines, 2015. Collection method: research. Allele origin: unknown. Observed: 2 variant alleles, 2 heterozygotes.
Comment: ACMG criteria: BS1 (3 homozygotes in gnomAD), BS2 (38 cases and 46 controls in an online resource) [PP3 (6 predictors), BP4 (4 predictors) but Revel score 0.179: conflicting evidence, not using]= benign

Illumina Laboratory Services, Illumina
Classification: Likely benign for Neonatal diabetes mellitus with congenital hypothyroidism. Last evaluated: 2018-01-13. Review status: criteria provided, single submitter. Criteria: ICSL Variant Classification Criteria 13 December 2019. Collection method: clinical testing. Allele origin: germline.
Comment: This variant was observed in the ICSL laboratory as part of a predisposition screen in an ostensibly healthy population. It had not been previously curated by ICSL or reported in the Human Gene Mutation Database (HGMD: prior to June 1st, 2018), and was therefore a candidate for classification through an automated scoring system. Utilizing variant allele frequency, disease prevalence and penetrance estimates, and inheritance mode, an automated score was calculated to assess if this variant is too frequent to cause the disease. Based on the score and internal cut-off values, a variant classified as likely benign is not then subjected to further curation. The score for this variant resulted in a classification of likely benign for this disease.

PreventionGenetics, part of Exact Sciences
Classification: Likely benign for GLIS3-related condition. Last evaluated: 2022-10-19. Review status: no assertion criteria provided. Collection method: clinical testing. Allele origin: germline. Not counted in ClinVar's aggregate classification.
Comment: This variant is classified as likely benign based on ACMG/AMP sequence variant interpretation guidelines (Richards et al. 2015 PMID: 25741868, with internal and published modifications).

Clinical Genetics, Academic Medical Center
Classification: Likely benign. Review status: no assertion criteria provided. Collection method: clinical testing. Allele origin: germline. Affected: yes. Study: VKGL Data-share Consensus. Not counted in ClinVar's aggregate classification.

Genome Diagnostics Laboratory, University Medical Center Utrecht
Classification: Likely benign. Review status: no assertion criteria provided. Collection method: clinical testing. Allele origin: germline. Affected: yes. Study: VKGL Data-share Consensus. Not counted in ClinVar's aggregate classification.

Laboratory of Diagnostic Genome Analysis, Leiden University Medical Center (LUMC)
Classification: Likely benign. Review status: no assertion criteria provided. Collection method: clinical testing. Allele origin: germline. Affected: yes. Study: VKGL Data-share Consensus. Not counted in ClinVar's aggregate classification.